The following is an entry in ClinVar:

NM_001042492.3(NF1):c.2850+5A>C

Gene: NF1 (neurofibromin 1; plus strand). Cytogenetic location: 17q11.2.
Variant type: single nucleotide variant.
Coding change: c.2850+5A>C on transcript NM_001042492.3 (MANE Select); 5 bases into the intron after coding-DNA position 2850, A replaced by C.
Molecular consequence: intron variant.
Genome position (GRCh38, 1-based): chr17:31,229,470, A>C. VCF-style: chr17-31229470-A-C. GRCh37 (hg19) VCF-style: chr17-29556488-A-C.
Other names: c.2850+5A>C (NM_000267.4).
Identifiers: ClinVar variation 4716667 (VCV004716667.1).

ClinVar aggregate classification (germline): Uncertain significance (1 of 4 stars; one submission).

Conditions:
Neurofibromatosis, type 1 (NF1). Also called: NEUROFIBROMATOSIS, TYPE I, SOMATIC; VON RECKLINGHAUSEN DISEASE; Peripheral type neurofibromatosis; Neurofibromatosis, type I. Identifiers: Orphanet 636, MedGen C0027831, MONDO:0018975, OMIM 162200. Disease mechanism: loss of function.

Submission:

Labcorp Genetics (formerly Invitae), Labcorp
Classification: Uncertain significance for Neurofibromatosis, type 1. Last evaluated: 2025-04-03. Review status: criteria provided, single submitter. Criteria: Invitae Variant Classification Sherloc (09022015). Collection method: clinical testing. Allele origin: germline.
Comment: This sequence change falls in intron 21 of the NF1 gene. It does not directly change the encoded amino acid sequence of the NF1 protein. It affects a nucleotide within the consensus splice site. This variant is not present in population databases (gnomAD no frequency). This variant has not been reported in the literature in individuals affected with NF1-related conditions. Variants that disrupt the consensus splice site are a relatively common cause of aberrant splicing (PMID: 17576681, 9536098). Algorithms developed to predict the effect of sequence changes on RNA splicing suggest that this variant is not likely to affect RNA splicing. In summary, the available evidence is currently insufficient to determine the role of this variant in disease. Therefore, it has been classified as a Variant of Uncertain Significance.

Literature cited by the submitters: PubMed 17576681; PubMed 9536098.